The following is an entry in ClinVar:

ClinVar aggregate classification (germline): Uncertain significance (1 of 4 stars; one submission).

Conditions:
Neuroblastoma, susceptibility to, 3. Also called: ALK-Related Neuroblastic Tumor Susceptibility. Identifiers: Orphanet 635, MedGen C2751681, MONDO:0013083, OMIM 613014.

Submission:

Labcorp Genetics (formerly Invitae), Labcorp
Classification: Uncertain significance for Neuroblastoma, susceptibility to, 3. Last evaluated: 2023-11-24. Review status: criteria provided, single submitter. Criteria: Invitae Variant Classification Sherloc (09022015). Collection method: clinical testing. Allele origin: germline.
Comment: This sequence change replaces alanine, which is neutral and non-polar, with threonine, which is neutral and polar, at codon 848 of the ALK protein (p.Ala848Thr). This variant is not present in population databases (gnomAD no frequency). This variant has not been reported in the literature in individuals affected with ALK-related conditions. An algorithm developed to predict the effect of missense changes on protein structure and function (PolyPhen-2) suggests that this variant is likely to be disruptive. In summary, the available evidence is currently insufficient to determine the role of this variant in disease. Therefore, it has been classified as a Variant of Uncertain Significance.

NM_004304.5(ALK):c.2542G>A (p.Ala848Thr)

Gene: ALK (ALK receptor tyrosine kinase; minus strand). Cytogenetic location: 2p23.2.
Variant type: single nucleotide variant.
Coding change: c.2542G>A on transcript NM_004304.5 (MANE Select); coding-DNA position 2542, G replaced by A.
Protein change: p.Ala848Thr; replaces alanine 848 with threonine.
Molecular consequence: missense variant.
Genome position (GRCh38, 1-based): chr2:29,232,394, C>T on the plus strand (G>A on the coding strand, the complement: ALK is on the minus strand). VCF-style: chr2-29232394-C-T. GRCh37 (hg19) VCF-style: chr2-29455260-C-T.
Other names: short protein forms A848T.
Identifiers: ClinVar variation 3008326 (VCV003008326.3), dbSNP rs2465986394, ClinGen allele CA346471890.